The following is an entry in ClinVar:

NM_001905.4(CTPS1):c.1697C>T (p.Thr566Ile)

Gene: CTPS1 (CTP synthase 1; plus strand). Cytogenetic location: 1p34.2.
Variant type: single nucleotide variant.
Coding change: c.1697C>T on transcript NM_001905.4 (MANE Select); coding-DNA position 1697, C replaced by T.
Protein change: p.Thr566Ile; replaces threonine 566 with isoleucine.
Molecular consequence: missense variant. On other transcripts: non-coding transcript variant (1).
Genome position (GRCh38, 1-based): chr1:41,010,166, C>T. VCF-style: chr1-41010166-C-T. GRCh37 (hg19) VCF-style: chr1-41475838-C-T.
Other names: c.1229C>T, p.Thr410Ile (NM_001301237.2); short protein forms T410I, T566I.
Identifiers: ClinVar variation 1015162 (VCV001015162.8), dbSNP rs1643134667, ClinGen allele CA339906899.
Genomic context (GRCh38, chr1:41,010,166, plus strand): 5'-GACGTAAAGTGAGTTTTTGGTGGGAGATGATGCGTAAACCATCTGAATTCTACAGGGACA[C>T]CTATAGTGACAGGAGTGGAAGCAGCTCCCCTGACTCTGAAATCACCGAACTGAAGTTTCC-3'
Protein context (NP_001896.2, residues 556-576): QKGCRLSPRD[Thr566Ile]YSDRSGSSSP

ClinVar aggregate classification (germline): Uncertain significance (1 of 4 stars; one submission).

Conditions:
Combined immunodeficiency due to CTPS1 deficiency. Also called: Severe combined immunodeficiency due to CTPS1 deficiency; Immunodeficiency 24. Identifiers: Orphanet 420573, MedGen C4014617, MONDO:0014391, OMIM 615897.

Submission:

Labcorp Genetics (formerly Invitae), Labcorp
Classification: Uncertain significance for Combined immunodeficiency due to CTPS1 deficiency. Last evaluated: 2020-08-24. Review status: criteria provided, single submitter. Criteria: Invitae Variant Classification Sherloc (09022015). Collection method: clinical testing. Allele origin: germline.
Comment: This variant is not present in population databases (ExAC no frequency). This variant has not been reported in the literature in individuals with CTPS1-related conditions. Algorithms developed to predict the effect of missense changes on protein structure and function (SIFT, PolyPhen-2, Align-GVGD) all suggest that this variant is likely to be tolerated, but these predictions have not been confirmed by published functional studies and their clinical significance is uncertain. In summary, the available evidence is currently insufficient to determine the role of this variant in disease. Therefore, it has been classified as a Variant of Uncertain Significance. This sequence change replaces threonine with isoleucine at codon 566 of the CTPS1 protein (p.Thr566Ile). The threonine residue is moderately conserved and there is a moderate physicochemical difference between threonine and isoleucine.